The following is an entry in ClinVar:

NM_000046.5(ARSB):c.1449A>T (p.Glu483Asp)

Gene: ARSB (arylsulfatase B; minus strand). Cytogenetic location: 5q14.1.
Variant type: single nucleotide variant.
Coding change: c.1449A>T on transcript NM_000046.5 (MANE Select); coding-DNA position 1449, A replaced by T.
Protein change: p.Glu483Asp; replaces glutamic acid 483 with aspartic acid.
Molecular consequence: missense variant.
Genome position (GRCh38, 1-based): chr5:78,780,550, T>A on the plus strand (A>T on the coding strand, the complement: ARSB is on the minus strand). VCF-style: chr5-78780550-T-A. GRCh37 (hg19) VCF-style: chr5-78076373-T-A.
Other names: short protein forms E483D.
Identifiers: ClinVar variation 418018 (VCV000418018.17), dbSNP rs1064793027, ClinGen allele CA16618212.

ClinVar aggregate classification (germline): Pathogenic/Likely pathogenic. Review status: criteria provided, multiple submitters, no conflicts (2 of 4 stars). 6 submissions from 6 submitters: Pathogenic (3); Likely pathogenic (2). 1 of the submissions does not count toward it. Last evaluated 2025-12-16.

Conditions:
Mucopolysaccharidosis type 6 (MPS6). Also called: N-ACETYLGALACTOSAMINE-4-SULFATASE DEFICIENCY; ARSB DEFICIENCY; ARYLSULFATASE B DEFICIENCY; MPS 6; Maroteaux Lamy syndrome; MPS VI. Identifiers: Orphanet 583, MedGen C0026709, MONDO:0009661, OMIM 253200.

Allele frequency attached by ClinVar (database versions not stated): TOPMed below 0.00001; gnomAD 0.00001; gnomAD exomes 0.00001 and 0.00002.
gnomAD v4.1: 11 of 1,614,044 alleles (0.00068%); highest among the groups gnomAD compares: Non-Finnish European, 0.00093%; no homozygotes.

Submissions (6):

Labcorp Genetics (formerly Invitae), Labcorp
Classification: Pathogenic for Mucopolysaccharidosis type 6. Last evaluated: 2025-12-16. Review status: criteria provided, single submitter. Criteria: Invitae Variant Classification Sherloc (09022015). Collection method: clinical testing. Allele origin: germline.
Comment: This sequence change replaces glutamic acid, which is acidic and polar, with aspartic acid, which is acidic and polar, at codon 483 of the ARSB protein (p.Glu483Asp). This variant is present in population databases (no rsID available, gnomAD 0.002%). This missense change has been observed in individual(s) with mucopolysaccharidosis VI (PMID: 22976768; internal data). ClinVar contains an entry for this variant (Variation ID: 418018). Invitae Evidence Modeling of protein sequence and biophysical properties (such as structural, functional, and spatial information, amino acid conservation, physicochemical variation, residue mobility, and thermodynamic stability) indicates that this missense variant is expected to disrupt ARSB protein function with a positive predictive value of 95%. For these reasons, this variant has been classified as Pathogenic.

Natera, Inc.
Classification: Likely pathogenic for Mucopolysaccharidosis type VI. Last evaluated: 2025-11-14. Review status: criteria provided, single submitter. Criteria: Natera Variant Classification Schema (03/2026). Collection method: clinical testing. Allele origin: germline.
Comment: The c.1449A>T variant in ARSB is a missense variant predicted to cause substitution of glutamic acid to aspartic acid at amino acid 483. This variant is rare in the general population with a frequency below the threshold expected for the associated phenotype(s). This variant has been observed in one or more individuals affected with the associated recessive disease, as either homozygous or compound heterozygous with a second variant (PMID: 22976768, 36795445). This variant has been identified in one or more affected individual with a phenotype highly consistent with the associated gene (PMID: 22976768). Computational prediction algorithms indicate this variant is likely to affect gene or protein function. Given the available evidence, this variant is classified as Likely Pathogenic.

Baylor Genetics
Classification: Pathogenic for Mucopolysaccharidosis type 6. Last evaluated: 2024-03-14. Review status: criteria provided, single submitter. Criteria: ACMG Guidelines, 2015. Collection method: clinical testing. Allele origin: unknown.

Fulgent Genetics
Classification: Likely pathogenic for Mucopolysaccharidosis type 6. Last evaluated: 2024-03-13. Review status: criteria provided, single submitter. Criteria: ACMG Guidelines, 2015. Collection method: clinical testing. Allele origin: germline.

GeneDx
Classification: Pathogenic. Last evaluated: 2023-09-11. Review status: criteria provided, single submitter. Criteria: GeneDx Variant Classification Process June 2021. Collection method: clinical testing. Allele origin: germline. Affected: yes.
Comment: Not observed at significant frequency in large population cohorts (gnomAD); In silico analysis supports that this missense variant has a deleterious effect on protein structure/function; This variant is associated with the following publications: (PMID: 30118150, 22976768, Brunetti-Pierri[article]2022, 36795445)

Laboratory of Diagnosis and Therapy of Lysosomal Disorders, University of Padova
Classification: Uncertain significance for Mucopolysaccharidosis type 6. Last evaluated: 2018-01-01. Review status: flagged submission. Criteria: ACMG Guidelines, 2015. Collection method: curation. Allele origin: germline. Affected: yes. Not counted in ClinVar's aggregate classification.
Comment: Very low frequency in GnomAD(PM2)
ClinVar note: Reason: Outlier claim with insufficient supporting evidence

Literature cited by the submitters: PubMed 22976768 (cited by 3 submitters); PubMed 36795445 (cited by Natera, Inc.); PubMed 30118150 (cited by Laboratory of Diagnosis and Therapy of Lysosomal Disorders, University of Padova).